The following is an entry in ClinVar:

ClinVar aggregate classification (germline): Conflicting classifications of pathogenicity. Review status: criteria provided, conflicting classifications (1 of 4 stars). 6 submissions from 5 submitters: Uncertain significance (1); Benign (1); Likely benign (2). 2 of the submissions do not count toward it. Last evaluated 2025-09-08.

Conditions:
Nephronophthisis. Also called: Juvenile Nephronophthisis. Identifiers: Orphanet 655, MedGen C0687120, MONDO:0019005, HP:0000090.
Senior-Loken syndrome 4 (SLSN4). Identifiers: Orphanet 3156, MedGen C1846979, MONDO:0011756, OMIM 606996.
Nephronophthisis 4 (NPHP4). Also called: NEPHRONOPHTHISIS 4, JUVENILE. Identifiers: Orphanet 655, MedGen C1847013, MONDO:0011752, OMIM 606966.

Allele frequency attached by ClinVar (database versions not stated): gnomAD 0.00001 and 0.00016; TOPMed 0.00002; gnomAD exomes 0.00016 and 0.00037; 1000 Genomes Project 30x 0.00062; ExAC 0.00066; 1000 Genomes Project 0.00080.
gnomAD v4.1: 251 of 1,528,974 alleles (0.016%); highest among the groups gnomAD compares: South Asian, 0.28%; 1 homozygote.

Submissions (6):

Labcorp Genetics (formerly Invitae), Labcorp
Classification: Benign for Nephronophthisis. Last evaluated: 2025-09-08. Review status: criteria provided, single submitter. Criteria: Invitae Variant Classification Sherloc (09022015). Collection method: clinical testing. Allele origin: germline.

Blueprint Genetics
Classification: Likely benign. Last evaluated: 2024-08-22. Review status: criteria provided, single submitter. Criteria: ACMG Guidelines, 2015. Collection method: clinical testing. Allele origin: germline.

Illumina Laboratory Services, Illumina
Classification: Likely benign for Senior-Loken syndrome 4. Last evaluated: 2018-01-12. Review status: criteria provided, single submitter. Criteria: ICSL Variant Classification Criteria 13 December 2019. Collection method: clinical testing. Allele origin: germline.
Comment: This variant was observed in the ICSL laboratory as part of a predisposition screen in an ostensibly healthy population. It had not been previously curated by ICSL or reported in the Human Gene Mutation Database (HGMD: prior to June 1st, 2018), and was therefore a candidate for classification through an automated scoring system. Utilizing variant allele frequency, disease prevalence and penetrance estimates, and inheritance mode, an automated score was calculated to assess if this variant is too frequent to cause the disease. Based on the score and internal cut-off values, a variant classified as likely benign is not then subjected to further curation. The score for this variant resulted in a classification of likely benign for this disease.

Illumina Laboratory Services, Illumina
Classification: Uncertain significance for Nephronophthisis 4. Last evaluated: 2018-01-12. Review status: criteria provided, single submitter. Criteria: ICSL Variant Classification Criteria 13 December 2019. Collection method: clinical testing. Allele origin: germline.

Clinical Genetics DNA and cytogenetics Diagnostics Lab, Erasmus MC, Erasmus Medical Center
Classification: Likely benign. Review status: no assertion criteria provided. Collection method: clinical testing. Allele origin: germline. Affected: yes. Study: VKGL Data-share Consensus. Not counted in ClinVar's aggregate classification.

Clinical Genetics, Academic Medical Center
Classification: Likely benign. Review status: no assertion criteria provided. Collection method: clinical testing. Allele origin: germline. Affected: yes. Study: VKGL Data-share Consensus. Not counted in ClinVar's aggregate classification.

NM_015102.5(NPHP4):c.3645-15C>T

Gene: NPHP4 (nephrocystin 4; minus strand). Cytogenetic location: 1p36.31.
Variant type: single nucleotide variant.
Coding change: c.3645-15C>T on transcript NM_015102.5 (MANE Select); 15 bases into the intron before coding-DNA position 3645, C replaced by T.
Molecular consequence: intron variant.
Genome position (GRCh38, 1-based): chr1:5,865,288, G>A on the plus strand (C>T on the coding strand, the complement: NPHP4 is on the minus strand). VCF-style: chr1-5865288-G-A. GRCh37 (hg19) VCF-style: chr1-5925348-G-A.
Other names: c.2109-15C>T (NM_001291594.2); c.2106-15C>T (NM_001291593.2).
Identifiers: ClinVar variation 297792 (VCV000297792.16), dbSNP rs558429618, ClinGen allele CA553511.